The following is an entry in ClinVar:

ClinVar aggregate classification (germline): Uncertain significance. Review status: criteria provided, multiple submitters, no conflicts (2 of 4 stars). 2 submissions from 2 submitters: Uncertain significance (2). Last evaluated 2025-01-12.

Conditions:
Progressive familial heart block type IB (PFHB1B). Identifiers: Orphanet 871, MedGen C1970298, MONDO:0011474, OMIM 604559.
Cardiovascular phenotype. Identifiers: MedGen CN230736.

Allele frequency attached by ClinVar (database versions not stated): gnomAD exomes below 0.00001; TOPMed below 0.00001.
gnomAD v4.1: 6 of 1,614,170 alleles (0.00037%); highest among the groups gnomAD compares: Non-Finnish European, 0.00051%; no homozygotes.

Submissions (2):

Labcorp Genetics (formerly Invitae), Labcorp
Classification: Uncertain significance for Progressive familial heart block type IB. Last evaluated: 2025-01-12. Review status: criteria provided, single submitter. Criteria: Invitae Variant Classification Sherloc (09022015). Collection method: clinical testing. Allele origin: germline.
Comment: This sequence change replaces glycine, which is neutral and non-polar, with arginine, which is basic and polar, at codon 591 of the TRPM4 protein (p.Gly591Arg). This variant is not present in population databases (gnomAD no frequency). This variant has not been reported in the literature in individuals affected with TRPM4-related conditions. ClinVar contains an entry for this variant (Variation ID: 1779810). An algorithm developed to predict the effect of missense changes on protein structure and function (PolyPhen-2) suggests that this variant is likely to be disruptive. In summary, the available evidence is currently insufficient to determine the role of this variant in disease. Therefore, it has been classified as a Variant of Uncertain Significance.

Ambry Genetics
Classification: Uncertain significance for Cardiovascular phenotype. Last evaluated: 2023-04-28. Review status: criteria provided, single submitter. Criteria: Ambry Variant Classification Scheme 2023. Collection method: clinical testing. Allele origin: germline.
Comment: The p.G591R variant (also known as c.1771G>C), located in coding exon 13 of the TRPM4 gene, results from a G to C substitution at nucleotide position 1771. The glycine at codon 591 is replaced by arginine, an amino acid with dissimilar properties. This amino acid position is well conserved in available vertebrate species. In addition, the in silico prediction for this alteration is inconclusive. Since supporting evidence is limited at this time, the clinical significance of this alteration remains unclear.

NM_017636.4(TRPM4):c.1771G>C (p.Gly591Arg)

Gene: TRPM4 (transient receptor potential cation channel subfamily M member 4; plus strand). Cytogenetic location: 19q13.33.
Variant type: single nucleotide variant.
Coding change: c.1771G>C on transcript NM_017636.4 (MANE Select); coding-DNA position 1771, G replaced by C.
Protein change: p.Gly591Arg; replaces glycine 591 with arginine.
Molecular consequence: missense variant.
Genome position (GRCh38, 1-based): chr19:49,188,668, G>C. VCF-style: chr19-49188668-G-C. GRCh37 (hg19) VCF-style: chr19-49691925-G-C.
Other names: c.1771G>C, p.Gly591Arg (NM_001195227.2); c.1426G>C, p.Gly476Arg (NM_001321281.2); c.163G>C, p.Gly55Arg (NM_001321282.2); c.1249G>C, p.Gly417Arg (NM_001321283.2); c.709G>C, p.Gly237Arg (NM_001321285.2); short protein forms G237R, G417R, G476R, G55R, G591R.
Identifiers: ClinVar variation 1779810 (VCV001779810.5), dbSNP rs879583560, ClinGen allele CA309446663.
Genomic context (GRCh38, chr19:49,188,668, plus strand): 5'-TTTGACGCATCCGTGCCCTCTTTGTCTCTCCAGGGTTCCAATGCAGTTTCCTCAGCTCTT[G>C]GGGCCTGTTTGCTGCTCCGGGTGATGGCACGCCTGGAGCCTGACGCTGAGGAGGCAGCAC-3'
Protein context (NP_060106.2, residues 581-601): MGSNAVSSAL[Gly591Arg]ACLLLRVMAR